The following is an entry in ClinVar:

ClinVar aggregate classification (germline): Benign/Likely benign. Review status: criteria provided, multiple submitters, no conflicts (2 of 4 stars). 4 submissions from 4 submitters: Benign (1); Likely benign (2). 1 of the submissions does not count toward it. Last evaluated 2026-01-20.

Conditions:
LRP2-related disorder. Also called: LRP2-related condition.

Allele frequency attached by ClinVar (database versions not stated): 1000 Genomes Project 0.00100; 1000 Genomes Project 30x 0.00109; gnomAD 0.00132 and 0.00145; ESP Exome Variant Server 0.00161; TOPMed 0.00168.
gnomAD v4.1: 456 of 1,614,112 alleles (0.028%); highest among the groups gnomAD compares: African/African-American, 0.52%; 3 homozygotes.

Submissions (4):

Labcorp Genetics (formerly Invitae), Labcorp
Classification: Benign. Last evaluated: 2026-01-20. Review status: criteria provided, single submitter. Criteria: Invitae Variant Classification Sherloc (09022015). Collection method: clinical testing. Allele origin: germline.

Blueprint Genetics
Classification: Likely benign. Last evaluated: 2024-09-13. Review status: criteria provided, single submitter. Criteria: ACMG Guidelines, 2015. Collection method: clinical testing. Allele origin: germline.

CeGaT Center for Human Genetics Tuebingen
Classification: Likely benign. Last evaluated: 2024-09-01. Review status: criteria provided, single submitter. Criteria: CeGaT Center For Human Genetics Tuebingen Variant Classification Criteria Version 2. Collection method: clinical testing. Allele origin: germline. Affected: yes. Observed: 1 variant allele.
Comment: LRP2: BP4, BP7

PreventionGenetics, part of Exact Sciences
Classification: Likely benign for LRP2-related condition. Last evaluated: 2019-05-15. Review status: no assertion criteria provided. Collection method: clinical testing. Allele origin: germline. Not counted in ClinVar's aggregate classification.
Comment: This variant is classified as likely benign based on ACMG/AMP sequence variant interpretation guidelines (Richards et al. 2015 PMID: 25741868, with internal and published modifications).

NM_004525.3(LRP2):c.13902C>G (p.Thr4634=)

Gene: LRP2 (LDL receptor related protein 2; minus strand). Cytogenetic location: 2q31.1.
Variant type: single nucleotide variant.
Coding change: c.13902C>G on transcript NM_004525.3 (MANE Select); coding-DNA position 13902, C replaced by G.
Protein change: p.Thr4634=; no amino-acid change (threonine 4634 retained).
Molecular consequence: synonymous variant.
Genome position (GRCh38, 1-based): chr2:169,128,729, G>C on the plus strand (C>G on the coding strand, the complement: LRP2 is on the minus strand). VCF-style: chr2-169128729-G-C. GRCh37 (hg19) VCF-style: chr2-169985239-G-C.
Identifiers: ClinVar variation 785014 (VCV000785014.28), dbSNP rs112043518, ClinGen allele CA1952387.